The following is an entry in ClinVar:

NM_001128840.3(CACNA1D):c.4321A>G (p.Ile1441Val)

Gene: CACNA1D (calcium voltage-gated channel subunit alpha1 D; plus strand). Cytogenetic location: 3p21.1.
Variant type: single nucleotide variant.
Coding change: c.4321A>G on transcript NM_001128840.3 (MANE Select); coding-DNA position 4321, A replaced by G.
Protein change: p.Ile1441Val; replaces isoleucine 1441 with valine.
Molecular consequence: missense variant.
Genome position (GRCh38, 1-based): chr3:53,776,004, A>G. VCF-style: chr3-53776004-A-G. GRCh37 (hg19) VCF-style: chr3-53810031-A-G.
Other names: c.4381A>G, p.Ile1461Val (NM_000720.4); c.4276A>G, p.Ile1426Val (NM_001128839.3); short protein forms I1426V, I1441V, I1461V.
Identifiers: ClinVar variation 2272472 (VCV002272472.4), dbSNP rs754067835, ClinGen allele CA2454856.

ClinVar aggregate classification (germline): Uncertain significance. Review status: criteria provided, multiple submitters, no conflicts (2 of 4 stars). 2 submissions from 2 submitters: Uncertain significance (2). Last evaluated 2025-10-04.

Conditions:
Inborn genetic diseases. Identifiers: MedGen C0950123, MeSH D030342.

Allele frequency attached by ClinVar (database versions not stated): ExAC 0.00002; gnomAD 0.00001; gnomAD exomes 0.00001; TOPMed 0.00001.
gnomAD v4.1: 11 of 1,613,980 alleles (0.00068%); highest among the groups gnomAD compares: East Asian, 0.025%; no homozygotes.

Submissions (2):

Labcorp Genetics (formerly Invitae), Labcorp
Classification: Uncertain significance. Last evaluated: 2025-10-04. Review status: criteria provided, single submitter. Criteria: Invitae Variant Classification Sherloc (09022015). Collection method: clinical testing. Allele origin: germline.
Comment: This sequence change replaces isoleucine, which is neutral and non-polar, with valine, which is neutral and non-polar, at codon 1461 of the CACNA1D protein (p.Ile1461Val). This variant is present in population databases (rs754067835, gnomAD 0.06%). This variant has not been reported in the literature in individuals affected with CACNA1D-related conditions. ClinVar contains an entry for this variant (Variation ID: 2272472). Invitae Evidence Modeling of protein sequence and biophysical properties (such as structural, functional, and spatial information, amino acid conservation, physicochemical variation, residue mobility, and thermodynamic stability) indicates that this missense variant is not expected to disrupt CACNA1D protein function with a negative predictive value of 80%. In summary, the available evidence is currently insufficient to determine the role of this variant in disease. Therefore, it has been classified as a Variant of Uncertain Significance.

Ambry Genetics
Classification: Uncertain significance for Inborn genetic diseases. Last evaluated: 2022-01-19. Review status: criteria provided, single submitter. Criteria: Ambry Variant Classification Scheme 2023. Collection method: clinical testing. Allele origin: germline.